The following is an entry in ClinVar:

ClinVar aggregate classification (germline): Uncertain significance. Review status: criteria provided, multiple submitters, no conflicts (2 of 4 stars). 2 submissions from 2 submitters: Uncertain significance (2). Last evaluated 2025-02-26.

Conditions:
Hereditary cancer-predisposing syndrome. Also called: Neoplastic Syndromes, Hereditary; Tumor predisposition; Hereditary neoplastic syndrome; Hereditary Cancer Syndrome. Identifiers: Orphanet 140162, MedGen C0027672, MeSH D009386, MONDO:0015356.

Submissions (2):

Quest Diagnostics Nichols Institute San Juan Capistrano
Classification: Uncertain significance. Last evaluated: 2025-02-26. Review status: criteria provided, single submitter. Criteria: Quest Diagnostics criteria. Collection method: clinical testing. Allele origin: unknown.
Comment: The STK11 c.274G>C (p.Glu92Gln) variant has not been reported in the germline of individuals affected with STK11-related conditions in the published literature. It also has not been reported in large, multi-ethnic general populations (Genome Aggregation Database). Analysis of this variant using bioinformatics tools for the prediction of the effect of amino acid changes on protein structure and function yielded predictions that this variant is benign. Based on the available information, we are unable to determine the clinical significance of this variant.

Ambry Genetics
Classification: Uncertain significance for Hereditary cancer-predisposing syndrome. Last evaluated: 2024-05-02. Review status: criteria provided, single submitter. Criteria: Ambry Variant Classification Scheme 2023. Collection method: clinical testing. Allele origin: germline.
Comment: The p.E92Q variant (also known as c.274G>C), located in coding exon 1 of the STK11 gene, results from a G to C substitution at nucleotide position 274. The glutamic acid at codon 92 is replaced by glutamine, an amino acid with highly similar properties. This amino acid position is conserved. In addition, the in silico prediction for this alteration is inconclusive. Based on the available evidence, the clinical significance of this variant remains unclear.

Literature cited by the submitters: PubMed 27940449 (cited by Quest Diagnostics Nichols Institute San Juan Capistrano).

NM_000455.5(STK11):c.274G>C (p.Glu92Gln)

Gene: STK11 (serine/threonine kinase 11; plus strand). Cytogenetic location: 19p13.3.
Variant type: single nucleotide variant.
Coding change: c.274G>C on transcript NM_000455.5 (MANE Select); coding-DNA position 274, G replaced by C.
Protein change: p.Glu92Gln; replaces glutamic acid 92 with glutamine.
Molecular consequence: missense variant. On other transcripts: non-coding transcript variant (1).
Genome position (GRCh38, 1-based): chr19:1,207,187, G>C. VCF-style: chr19-1207187-G-C. GRCh37 (hg19) VCF-style: chr19-1207186-G-C.
Other names: c.274G>C, p.Glu92Gln (NM_001407255.1); short protein forms E92Q.
Identifiers: ClinVar variation 3323255 (VCV003323255.2).
Genomic context (GRCh38, chr19:1,207,187, plus strand): 5'-CTGTGCAGGAGGGCCGTCAAGATCCTCAAGAAGAAGAAGTTGCGAAGGATCCCCAACGGG[G>C]AGGCCAACGTGAAGAAGTAAGTATGGCTTGCTGGGGTCGGGGCCGGGCCGGGCCAGTCAC-3'
Protein context (NP_000446.1, residues 82-102): KKKLRRIPNG[Glu92Gln]ANVKKEIQLL